The following is an entry in ClinVar:

NM_198576.4(AGRN):c.3712A>G (p.Arg1238Gly)

Gene: AGRN (agrin; plus strand). Cytogenetic location: 1p36.33.
Variant type: single nucleotide variant.
Coding change: c.3712A>G on transcript NM_198576.4 (MANE Select); coding-DNA position 3712, A replaced by G.
Protein change: p.Arg1238Gly; replaces arginine 1238 with glycine.
Molecular consequence: missense variant.
Genome position (GRCh38, 1-based): chr1:1,047,856, A>G. VCF-style: chr1-1047856-A-G. GRCh37 (hg19) VCF-style: chr1-983236-A-G.
Other names: c.3712A>G, p.Arg1238Gly (NM_001305275.2); c.3397A>G, p.Arg1133Gly (NM_001364727.2); short protein forms R1133G, R1238G.
Identifiers: ClinVar variation 3631722 (VCV003631722.2).

ClinVar aggregate classification (germline): Uncertain significance (1 of 4 stars; one submission).

Conditions:
Congenital myasthenic syndrome 8. Also called: Myasthenic syndrome, congenital, 8, with pre- and postsynaptic defects; MYASTHENIC SYNDROME, CONGENITAL, DUE TO AGRIN DEFICIENCY. Identifiers: Orphanet 590, MedGen C3808739, MONDO:0014052, OMIM 615120.

Submission:

Labcorp Genetics (formerly Invitae), Labcorp
Classification: Uncertain significance for Congenital myasthenic syndrome 8. Last evaluated: 2024-04-20. Review status: criteria provided, single submitter. Criteria: Invitae Variant Classification Sherloc (09022015). Collection method: clinical testing. Allele origin: germline.
Comment: This sequence change replaces arginine, which is basic and polar, with glycine, which is neutral and non-polar, at codon 1238 of the AGRN protein (p.Arg1238Gly). This variant is not present in population databases (gnomAD no frequency). This variant has not been reported in the literature in individuals affected with AGRN-related conditions. An algorithm developed to predict the effect of missense changes on protein structure and function (PolyPhen-2) suggests that this variant is likely to be disruptive. In summary, the available evidence is currently insufficient to determine the role of this variant in disease. Therefore, it has been classified as a Variant of Uncertain Significance.